The following is an entry in ClinVar:

ClinVar aggregate classification (germline): Likely benign. Review status: criteria provided, single submitter (1 of 4 stars). 2 submissions from 2 submitters: Likely benign (1). 1 of the submissions does not count toward it. Last evaluated 2018-08-20.

Conditions:
DRD4-related disorder. Also called: DRD4-related condition.

Allele frequency attached by ClinVar (database versions not stated): gnomAD exomes 0.00001 and 0.00002; gnomAD 0.00008; TOPMed 0.00010; 1000 Genomes Project 30x 0.00031; 1000 Genomes Project 0.00040.

Submissions (2):

Labcorp Genetics (formerly Invitae), Labcorp
Classification: Likely benign. Last evaluated: 2018-08-20. Review status: criteria provided, single submitter. Criteria: Invitae Variant Classification Sherloc (09022015). Collection method: clinical testing. Allele origin: germline.

PreventionGenetics, part of Exact Sciences
Classification: Likely benign for DRD4-related condition. Last evaluated: 2019-06-17. Review status: no assertion criteria provided. Collection method: clinical testing. Allele origin: germline. Not counted in ClinVar's aggregate classification.
Comment: This variant is classified as likely benign based on ACMG/AMP sequence variant interpretation guidelines (Richards et al. 2015 PMID: 25741868, with internal and published modifications).

NM_000797.4(DRD4):c.126G>A (p.Val42=)

Gene: DRD4 (dopamine receptor D4; plus strand). Cytogenetic location: 11p15.5.
Variant type: single nucleotide variant.
Coding change: c.126G>A on transcript NM_000797.4 (MANE Select); coding-DNA position 126, G replaced by A.
Protein change: p.Val42=; no amino-acid change (valine 42 retained).
Molecular consequence: synonymous variant.
Genome position (GRCh38, 1-based): chr11:637,430, G>A. VCF-style: chr11-637430-G-A. GRCh37 (hg19) VCF-style: chr11-637430-G-A.
Identifiers: ClinVar variation 764861 (VCV000764861.5), dbSNP rs570777638, ClinGen allele CA216942690.